The following is an entry in ClinVar:

ClinVar aggregate classification (germline): Uncertain significance (1 of 4 stars; one submission).

Conditions:
Rubinstein-Taybi syndrome due to CREBBP mutations (RSTS1). Also called: BROAD THUMB-HALLUX SYNDROME; BROAD THUMBS AND GREAT TOES, CHARACTERISTIC FACIES, AND IMPAIRED INTELLECTUAL DEVELOPMENT; Rubinstein-Taybi syndrome 1; RUBINSTEIN-TAYBI SYNDROME 1, INCOMPLETE; RUBINSTEIN SYNDROME; CREBBP-Related Rubinstein-Taybi Syndrome. Identifiers: Orphanet 353277, Orphanet 783, MedGen C4551859, MONDO:0008393, OMIM 180849.

Submission:

Genetics and Molecular Pathology, SA Pathology
Classification: Uncertain significance for Rubinstein-Taybi syndrome due to CREBBP mutations. Last evaluated: 2020-10-18. Review status: criteria provided, single submitter. Criteria: ACMG Guidelines, 2015. Collection method: clinical testing. Allele origin: germline. Affected: yes.
Comment: The CREBBP c.1776G>C variant is classified as VUS (PM2, PP2, PP3) The CREBBP c.1776G>C variant is a single nucleotide change in exon 8 of 31 of the CREBBP gene, which is predicted to change the amino acid tryptophan at position 592 in the protein to cysteine. This variant is absent from population databases (PM2). Absent in gnomAD This is a missense variant in a constrained gene where missense variants are a common mechanism of disease and benign variation is rare (PP2). Computational predictions support a deleterious effect on the gene or gene product (PP3).

NM_004380.3(CREBBP):c.1776G>C (p.Trp592Cys)

Gene: CREBBP (CREB binding lysine acetyltransferase; minus strand). Cytogenetic location: 16p13.3.
Variant type: single nucleotide variant.
Coding change: c.1776G>C on transcript NM_004380.3 (MANE Select); coding-DNA position 1776, G replaced by C.
Protein change: p.Trp592Cys; replaces tryptophan 592 with cysteine.
Molecular consequence: missense variant.
Genome position (GRCh38, 1-based): chr16:3,780,779, C>G on the plus strand (G>C on the coding strand, the complement: CREBBP is on the minus strand). VCF-style: chr16-3780779-C-G. GRCh37 (hg19) VCF-style: chr16-3830780-C-G.
Other names: c.1662G>C, p.Trp554Cys (NM_001079846.1); short protein forms W554C, W592C.
Identifiers: ClinVar variation 1803131 (VCV001803131.1), dbSNP rs2141245353, ClinGen allele CA394556491.